The following is an entry in ClinVar:

NM_006206.6(PDGFRA):c.89T>C (p.Ile30Thr)

Gene: PDGFRA (platelet derived growth factor receptor alpha; plus strand). Cytogenetic location: 4q12.
Variant type: single nucleotide variant.
Coding change: c.89T>C on transcript NM_006206.6 (MANE Select); coding-DNA position 89, T replaced by C.
Protein change: p.Ile30Thr; replaces isoleucine 30 with threonine.
Molecular consequence: missense variant.
Genome position (GRCh38, 1-based): chr4:54,261,134, T>C. VCF-style: chr4-54261134-T-C. GRCh37 (hg19) VCF-style: chr4-55127301-T-C.
Other names: c.89T>C, p.Ile30Thr (NM_001347827.2, NM_001347829.2); c.164T>C, p.Ile55Thr (NM_001347828.2); c.128T>C, p.Ile43Thr (NM_001347830.2); short protein forms I55T, I30T, I43T.
Identifiers: ClinVar variation 1037865 (VCV001037865.8), dbSNP rs1437048036, ClinGen allele CA356888222.

ClinVar aggregate classification (germline): Uncertain significance (1 of 4 stars; one submission).

Conditions:
Gastrointestinal stromal tumor. Also called: Gastrointestinal stromal tumor, somatic; Gastrointestinal stroma tumor. Identifiers: Orphanet 44890, MedGen C0238198, MeSH D046152, MONDO:0011719, OMIM 606764, HP:0100723.

Allele frequency attached by ClinVar (database versions not stated): gnomAD exomes below 0.00001 and 0.00001; TOPMed 0.00001.

Submission:

Labcorp Genetics (formerly Invitae), Labcorp
Classification: Uncertain significance for Gastrointestinal stromal tumor. Last evaluated: 2024-06-19. Review status: criteria provided, single submitter. Criteria: Invitae Variant Classification Sherloc (09022015). Collection method: clinical testing. Allele origin: germline.
Comment: This sequence change replaces isoleucine, which is neutral and non-polar, with threonine, which is neutral and polar, at codon 30 of the PDGFRA protein (p.Ile30Thr). This variant is present in population databases (no rsID available, gnomAD 0.003%). This variant has not been reported in the literature in individuals affected with PDGFRA-related conditions. ClinVar contains an entry for this variant (Variation ID: 1037865). Advanced modeling of protein sequence and biophysical properties (such as structural, functional, and spatial information, amino acid conservation, physicochemical variation, residue mobility, and thermodynamic stability) performed at Invitae indicates that this missense variant is not expected to disrupt PDGFRA protein function with a negative predictive value of 80%. In summary, the available evidence is currently insufficient to determine the role of this variant in disease. Therefore, it has been classified as a Variant of Uncertain Significance.